The following is an entry in ClinVar:

NM_005476.7(GNE):c.1526A>C (p.His509Pro)

Gene: GNE (glucosamine (UDP-N-acetyl)-2-epimerase/N-acetylmannosamine kinase; minus strand). Cytogenetic location: 9p13.3.
Variant type: single nucleotide variant.
Coding change: c.1526A>C on transcript NM_005476.7 (MANE Select); coding-DNA position 1526, A replaced by C.
Protein change: p.His509Pro; replaces histidine 509 with proline.
Molecular consequence: missense variant. On other transcripts: intron variant (1).
Genome position (GRCh38, 1-based): chr9:36,222,884, T>G on the plus strand (A>C on the coding strand, the complement: GNE is on the minus strand). VCF-style: chr9-36222884-T-G. GRCh37 (hg19) VCF-style: chr9-36222881-T-G.
Other names: c.1619A>C, p.His540Pro (NM_001128227.3); c.1196A>C, p.His399Pro (NM_001190384.3); c.1349A>C, p.His450Pro (NM_001190388.2, NM_001374798.1); c.1373A>C, p.His458Pro (NM_001374797.1); c.1411+489A>C (NM_001190383.3); short protein forms H509P, H540P, H399P, H450P, H458P.
Identifiers: ClinVar variation 501311 (VCV000501311.6), dbSNP rs751302642, ClinGen allele CA373426459.
Genomic context (GRCh38, chr9:36,222,884, plus strand): 5'-CCAAATTTCCTTTCCGCCAGGGCAGCACAGTTGCCATCATTGTCTACCCACACAGGGAGA[T>G]GCAAAGTGTCAGAAAGGGGGGTCCTAAGGTCCACAGAGTTCCACTCTTGGATCAGTTTGG-3'
Protein context (NP_005467.1, residues 499-519): DLRTPLSDTL[His509Pro]LPVWVDNDGN

ClinVar aggregate classification (germline): Uncertain significance. Review status: criteria provided, multiple submitters, no conflicts (2 of 4 stars). 2 submissions from 2 submitters: Uncertain significance (2). Last evaluated 2025-08-21.

Conditions:
Sialuria. Also called: Sialic Acid Storage Disease; SIALURIA, FRENCH TYPE. Identifiers: Orphanet 3166, MedGen C0342853, MONDO:0010028, OMIM 269921.
GNE myopathy (NM). Also called: NONAKA DISTAL MYOPATHY; MYOPATHY, DISTAL, WITH OR WITHOUT RIMMED VACUOLES; INCLUSION BODY MYOPATHY, HEREDITARY, AUTOSOMAL RECESSIVE; INCLUSION BODY MYOPATHY 2, AUTOSOMAL RECESSIVE; IBM 2; Inclusion body myopathy autosomal recessive. Identifiers: Orphanet 602, MedGen C1853926, MONDO:0011603, OMIM 605820.

Submissions (2):

Labcorp Genetics (formerly Invitae), Labcorp
Classification: Uncertain significance for Sialuria; GNE myopathy. Last evaluated: 2025-08-21. Review status: criteria provided, single submitter. Criteria: Invitae Variant Classification Sherloc (09022015). Collection method: clinical testing. Allele origin: germline.
Comment: This sequence change replaces histidine, which is basic and polar, with proline, which is neutral and non-polar, at codon 540 of the GNE protein (p.His540Pro). This variant is not present in population databases (gnomAD no frequency). This variant has not been reported in the literature in individuals affected with GNE-related conditions. ClinVar contains an entry for this variant (Variation ID: 501311). Invitae Evidence Modeling of protein sequence and biophysical properties (such as structural, functional, and spatial information, amino acid conservation, physicochemical variation, residue mobility, and thermodynamic stability) has been performed for this missense variant. However, the output from this modeling did not meet the statistical confidence thresholds required to predict the impact of this variant on GNE protein function. This variant disrupts the p.His540 amino acid residue in GNE. Other variant(s) that disrupt this residue have been determined to be pathogenic (PMID: 21307865, 22196754, 25986339). This suggests that this residue is clinically significant, and that variants that disrupt this residue are likely to be disease-causing. In summary, the available evidence is currently insufficient to determine the role of this variant in disease. Therefore, it has been classified as a Variant of Uncertain Significance.

Eurofins Ntd Llc (ga)
Classification: Uncertain significance. Last evaluated: 2017-04-11. Review status: criteria provided, single submitter. Criteria: EGL Classification Definitions 2015. Collection method: clinical testing. Allele origin: germline. Observed: 1 variant allele, 1 heterozygote.

Literature cited by the submitters: PubMed 21307865 (cited by Labcorp Genetics (formerly Invitae), Labcorp); PubMed 22196754 (cited by Labcorp Genetics (formerly Invitae), Labcorp); PubMed 25986339 (cited by Labcorp Genetics (formerly Invitae), Labcorp).